The following is an entry in ClinVar:

NM_133259.4(LRPPRC):c.1342G>C (p.Gly448Arg)

Gene: LRPPRC (leucine rich pentatricopeptide repeat containing; minus strand). Cytogenetic location: 2p21.
Variant type: single nucleotide variant.
Coding change: c.1342G>C on transcript NM_133259.4 (MANE Select); coding-DNA position 1342, G replaced by C.
Protein change: p.Gly448Arg; replaces glycine 448 with arginine.
Molecular consequence: missense variant.
Genome position (GRCh38, 1-based): chr2:43,973,634, C>G on the plus strand (G>C on the coding strand, the complement: LRPPRC is on the minus strand). VCF-style: chr2-43973634-C-G. GRCh37 (hg19) VCF-style: chr2-44200773-C-G.
Other names: short protein forms G448R.
Identifiers: ClinVar variation 4746520 (VCV004746520.1).

ClinVar aggregate classification (germline): Uncertain significance (1 of 4 stars; one submission).

gnomAD v4.1: 3 of 1,613,830 alleles (0.00019%); highest among the groups gnomAD compares: Non-Finnish European, 0.00017%; no homozygotes.

Submission:

Labcorp Genetics (formerly Invitae), Labcorp
Classification: Uncertain significance. Last evaluated: 2026-01-13. Review status: criteria provided, single submitter. Criteria: Invitae Variant Classification Sherloc (09022015). Collection method: clinical testing. Allele origin: germline.
Comment: This sequence change replaces glycine, which is neutral and non-polar, with arginine, which is basic and polar, at codon 448 of the LRPPRC protein (p.Gly448Arg). This variant is not present in population databases (gnomAD no frequency). This variant has not been reported in the literature in individuals affected with LRPPRC-related conditions. Invitae Evidence Modeling of protein sequence and biophysical properties (such as structural, functional, and spatial information, amino acid conservation, physicochemical variation, residue mobility, and thermodynamic stability) indicates that this missense variant is not expected to disrupt LRPPRC protein function with a negative predictive value of 80%. In summary, the available evidence is currently insufficient to determine the role of this variant in disease. Therefore, it has been classified as a Variant of Uncertain Significance.